The following is an entry in ClinVar:

ClinVar aggregate classification (germline): Uncertain significance (1 of 4 stars; one submission).

Conditions:
Spinocerebellar ataxia, autosomal recessive 22 (SCAR22). Identifiers: MedGen C4310781, MONDO:0014845, OMIM 616948.

gnomAD v4.1: 15 of 1,613,774 alleles (0.00093%); highest among the groups gnomAD compares: African/African-American, 0.004%; no homozygotes.

Submission:

Kariminejad - Najmabadi Pathology & Genetics Center
Classification: Uncertain significance for Spinocerebellar ataxia, autosomal recessive 22. Last evaluated: 2018-11-12. Review status: criteria provided, single submitter. Criteria: ACMG Guidelines, 2015. Collection method: clinical testing. Allele origin: germline. Inheritance: Autosomal recessive inheritance. Affected: yes.
Comment: PM2, PP3

NM_144992.5(VWA3B):c.364C>T (p.Arg122Ter)

Gene: VWA3B (von Willebrand factor A domain containing 3B; plus strand). Cytogenetic location: 2q11.2.
Variant type: single nucleotide variant.
Coding change: c.364C>T on transcript NM_144992.5 (MANE Select); coding-DNA position 364, C replaced by T.
Protein change: p.Arg122Ter; replaces arginine 122 with a stop codon.
Molecular consequence: nonsense. On other transcripts: non-coding transcript variant (3).
Genome position (GRCh38, 1-based): chr2:98,119,585, C>T. VCF-style: chr2-98119585-C-T. GRCh37 (hg19) VCF-style: chr2-98736048-C-T.
Other names: short protein forms R122*.
Identifiers: ClinVar variation 3897058 (VCV003897058.1).